The following is an entry in ClinVar:

ClinVar aggregate classification (germline): Benign/Likely benign. Review status: criteria provided, multiple submitters, no conflicts (2 of 4 stars). 4 submissions from 4 submitters: Benign (2); Likely benign (1). 1 of the submissions does not count toward it. Last evaluated 2026-04-16.

Conditions:
FCHO1-related disorder. Also called: FCHO1-related condition.

Allele frequency attached by ClinVar (database versions not stated): gnomAD exomes 0.00017 and 0.00051; ExAC 0.00070; gnomAD 0.00141 and 0.00150; TOPMed 0.00187; 1000 Genomes Project 30x 0.00219; 1000 Genomes Project 0.00220; ESP Exome Variant Server 0.00296.

Submissions (4):

Women's Health and Genetics/Laboratory Corporation of America, LabCorp
Classification: Benign. Last evaluated: 2026-04-16. Review status: criteria provided, single submitter. Criteria: LabCorp Variant Classification Summary - May 2015. Collection method: clinical testing. Allele origin: germline.
Comment: Variant summary: FCHO1 c.1740+8dupA alters a nucleotide located at a position not widely known to affect splicing. Consensus agreement among computation tools predict no significant impact on normal splicing. However, these predictions have yet to be confirmed by functional studies. The variant allele was found at a frequency of 0.00051 in 250856 control chromosomes, predominantly at a frequency of 0.007 within the African or African-American subpopulation in the gnomAD database. The observed variant frequency within African or African-American control individuals in the gnomAD database exceeds the estimated maximal expected allele frequency for disease-causing variants in FCHO1. To our knowledge, no occurrence of c.1740+8dupA in individuals affected with FCHO1-related conditions and no experimental evidence demonstrating its impact on protein function have been reported. ClinVar contains an entry for this variant (Variation ID: 1533802). Based on the evidence outlined above, the variant was classified as benign.

Labcorp Genetics (formerly Invitae), Labcorp
Classification: Benign. Last evaluated: 2026-01-22. Review status: criteria provided, single submitter. Criteria: Invitae Variant Classification Sherloc (09022015). Collection method: clinical testing. Allele origin: germline.

Blueprint Genetics
Classification: Likely benign. Last evaluated: 2024-07-08. Review status: criteria provided, single submitter. Criteria: ACMG Guidelines, 2015. Collection method: clinical testing. Allele origin: germline.

PreventionGenetics, part of Exact Sciences
Classification: Likely benign for FCHO1-related condition. Last evaluated: 2023-05-05. Review status: no assertion criteria provided. Collection method: clinical testing. Allele origin: germline. Not counted in ClinVar's aggregate classification.
Comment: This variant is classified as likely benign based on ACMG/AMP sequence variant interpretation guidelines (Richards et al. 2015 PMID: 25741868, with internal and published modifications).

NM_015122.3(FCHO1):c.1740+8dup

Gene: FCHO1 (FCH and mu domain containing endocytic adaptor 1; plus strand). Cytogenetic location: 19p13.11.
Variant type: Duplication.
Coding change: c.1740+8dup on transcript NM_015122.3 (MANE Select); 8 bases into the intron after coding-DNA position 1740, one base duplicated (A; older notation c.1740+8dupA).
Molecular consequence: intron variant.
Genome position (GRCh38, 1-based): chr19:17,781,351, A duplicated. VCF-style (leftmost placement, unchanged base first): chr19-17781350-G-GA. GRCh37 (hg19) VCF-style: chr19-17892159-G-GA.
Other names: c.1740+8dupA (NM_001161357.1, NM_015122.3); c.1740+8dup (NM_001384370.1, NM_001384376.1, NM_001384375.1 and 13 more transcripts); c.1464+8dup (NM_001384396.1, NM_001384404.1, NM_001384398.1 and 5 more transcripts); c.1665+8dup (NM_001384390.1); c.1314+8dup (NM_001384406.1); c.1170+8dup (NM_001384407.1); c.1623+8dup (NM_001384393.1, NM_001384394.1, NM_001384392.1 and 1 more transcripts); c.1419+8dup (NM_001384403.1); and 2 more.
Identifiers: ClinVar variation 1533802 (VCV001533802.12), dbSNP rs573448775, ClinGen allele CA9300599.
Genomic context (GRCh38, chr19:17,781,350, plus strand): 5'-AGACTTCGCTCTAGGAAGGTGTCCTGCCCTCTCACACGTAGCAATGGGGACCTGGTAGGT[G>GA]AGGGGGCGTGGCAGGAGCTGGACTGGGGGTCGCGTCTGGGGTCCGCTTTTGGGCACTGGT-3'